The following is an entry in ClinVar:

NM_014244.5(ADAMTS2):c.638G>A (p.Arg213His)

Gene: ADAMTS2 (ADAM metallopeptidase with thrombospondin type 1 motif 2; minus strand). Cytogenetic location: 5q35.3.
Variant type: single nucleotide variant.
Coding change: c.638G>A on transcript NM_014244.5 (MANE Select); coding-DNA position 638, G replaced by A.
Protein change: p.Arg213His; replaces arginine 213 with histidine.
Molecular consequence: missense variant.
Genome position (GRCh38, 1-based): chr5:179,272,961, C>T on the plus strand (G>A on the coding strand, the complement: ADAMTS2 is on the minus strand). VCF-style: chr5-179272961-C-T. GRCh37 (hg19) VCF-style: chr5-178699962-C-T.
Other names: c.638G>A, p.Arg213His (NM_021599.4); short protein forms R213H.
Identifiers: ClinVar variation 907262 (VCV000907262.12), dbSNP rs369215593, ClinGen allele CA3596249.

ClinVar aggregate classification (germline): Uncertain significance. Review status: criteria provided, multiple submitters, no conflicts (2 of 4 stars). 5 submissions from 5 submitters: Uncertain significance (4). 1 of the submissions does not count toward it. Last evaluated 2023-08-22.

Conditions:
Inborn genetic diseases. Identifiers: MedGen C0950123, MeSH D030342.
Ehlers-Danlos syndrome, dermatosparaxis type. Also called: Dermatosparaxis; Ehlers-Danlos syndrome, type VII, autosomal recessive; EDS VIIC. Identifiers: Orphanet 1901, MedGen C2700425, MONDO:0009161, OMIM 225410.

Allele frequency attached by ClinVar (database versions not stated): gnomAD 0.00006 and 0.00007; TOPMed 0.00006; gnomAD exomes 0.00007 and 0.00008; ExAC 0.00008; ESP Exome Variant Server 0.00008.
gnomAD v4.1: 134 of 1,612,392 alleles (0.0083%); highest among the groups gnomAD compares: Non-Finnish European, 0.01%; no homozygotes.

Submissions (5):

Ambry Genetics
Classification: Uncertain significance for Inborn genetic diseases. Last evaluated: 2023-08-22. Review status: criteria provided, single submitter. Criteria: Ambry Variant Classification Scheme 2023. Collection method: clinical testing. Allele origin: germline.

Labcorp Genetics (formerly Invitae), Labcorp
Classification: Uncertain significance for Ehlers-Danlos syndrome, dermatosparaxis type. Last evaluated: 2022-07-10. Review status: criteria provided, single submitter. Criteria: Invitae Variant Classification Sherloc (09022015). Collection method: clinical testing. Allele origin: germline.
Comment: This sequence change replaces arginine, which is basic and polar, with histidine, which is basic and polar, at codon 213 of the ADAMTS2 protein (p.Arg213His). This variant is present in population databases (rs369215593, gnomAD 0.02%). This variant has not been reported in the literature in individuals affected with ADAMTS2-related conditions. ClinVar contains an entry for this variant (Variation ID: 907262). Algorithms developed to predict the effect of missense changes on protein structure and function output the following: SIFT: "Tolerated"; PolyPhen-2: "Benign"; Align-GVGD: "Class C0". The histidine amino acid residue is found in multiple mammalian species, which suggests that this missense change does not adversely affect protein function. In summary, the available evidence is currently insufficient to determine the role of this variant in disease. Therefore, it has been classified as a Variant of Uncertain Significance.

GeneDx
Classification: Uncertain significance. Last evaluated: 2020-01-24. Review status: criteria provided, single submitter. Criteria: GeneDx Variant Classification Process June 2021. Collection method: clinical testing. Allele origin: germline. Affected: yes.
Comment: In silico analysis, which includes protein predictors and evolutionary conservation, supports a deleterious effect; Has not been previously published as pathogenic or benign to our knowledge

Illumina Laboratory Services, Illumina
Classification: Uncertain significance for Ehlers-Danlos syndrome, dermatosparaxis type. Last evaluated: 2017-04-27. Review status: criteria provided, single submitter. Criteria: ICSL Variant Classification Criteria 13 December 2019. Collection method: clinical testing. Allele origin: germline.

Natera, Inc.
Classification: Uncertain significance for Ehlers-Danlos syndrome type VIIC. Last evaluated: 2020-03-26. Review status: no assertion criteria provided. Collection method: clinical testing. Allele origin: germline. Not counted in ClinVar's aggregate classification.